The following is an entry in ClinVar:

NM_000257.4(MYH7):c.596C>A (p.Ala199Glu)

Gene: MYH7 (myosin heavy chain 7; minus strand). Cytogenetic location: 14q11.2.
Variant type: single nucleotide variant.
Coding change: c.596C>A on transcript NM_000257.4 (MANE Select); coding-DNA position 596, C replaced by A.
Protein change: p.Ala199Glu; replaces alanine 199 with glutamic acid.
Molecular consequence: missense variant.
Genome position (GRCh38, 1-based): chr14:23,431,804, G>T on the plus strand (C>A on the coding strand, the complement: MYH7 is on the minus strand). VCF-style: chr14-23431804-G-T. GRCh37 (hg19) VCF-style: chr14-23901013-G-T.
Other names: c.596C>A, p.Ala199Glu (NM_001407004.1); short protein forms A199E.
Identifiers: ClinVar variation 3297521 (VCV003297521.3).

ClinVar aggregate classification (germline): Likely pathogenic. Review status: criteria provided, multiple submitters, no conflicts (2 of 4 stars). 2 submissions from 2 submitters: Likely pathogenic (2). Last evaluated 2025-06-09.

Conditions:
Hypertrophic cardiomyopathy. Also called: HYPERTROPHIC MYOCARDIOPATHY. Identifiers: Orphanet 217569, MedGen C0007194, MeSH D002312, MONDO:0005045, HP:0001639.
Cardiovascular phenotype. Identifiers: MedGen CN230736.

Submissions (2):

Labcorp Genetics (formerly Invitae), Labcorp
Classification: Likely pathogenic for Hypertrophic cardiomyopathy. Last evaluated: 2025-06-09. Review status: criteria provided, single submitter. Criteria: Invitae Variant Classification Sherloc (09022015). Collection method: clinical testing. Allele origin: germline.
Comment: This sequence change replaces alanine, which is neutral and non-polar, with glutamic acid, which is acidic and polar, at codon 199 of the MYH7 protein (p.Ala199Glu). This variant is not present in population databases (gnomAD no frequency). This missense change has been observed in individual(s) with hypertrophic cardiomyopathy (internal data). ClinVar contains an entry for this variant (Variation ID: 3297521). Invitae Evidence Modeling of protein sequence and biophysical properties (such as structural, functional, and spatial information, amino acid conservation, physicochemical variation, residue mobility, and thermodynamic stability) indicates that this missense variant is expected to disrupt MYH7 protein function with a positive predictive value of 95%. This variant disrupts the p.Ala199 amino acid residue in MYH7. Other variant(s) that disrupt this residue have been determined to be pathogenic (PMID: 27532257; internal data). This suggests that this residue is clinically significant, and that variants that disrupt this residue are likely to be disease-causing. In summary, the currently available evidence indicates that the variant is pathogenic, but additional data are needed to prove that conclusively. Therefore, this variant has been classified as Likely Pathogenic.

Ambry Genetics
Classification: Likely pathogenic for Cardiovascular phenotype. Last evaluated: 2024-04-23. Review status: criteria provided, single submitter. Criteria: Ambry Variant Classification Scheme 2023. Collection method: clinical testing. Allele origin: germline.
Comment: The p.A199E variant (also known as c.596C>A), located in coding exon 5 of the MYH7 gene, results from a C to A substitution at nucleotide position 596. The alanine at codon 199 is replaced by glutamic acid, an amino acid with dissimilar properties. This alteration is located in the myosin head domain, which contains a statistically significant clustering of pathogenic missense variants (Homburger JR et al. Proc Natl Acad Sci U S A, 2016 06;113:6701-6; Walsh R et al. Genet Med, 2017 02;19:192-203; Ambry internal data). Another variant at the same codon, p.A199V (c.596C>T), has been detected in individuals with hypertrophic cardiomyopathy (HCM) (Adler A et al. Circ Arrhythm Electrophysiol, 2016 Jan;9:e003440; Walsh R et al. Genet Med, 2017 Feb;19:192-203; Ho CY et al. Circulation, 2018 Oct;138:1387-1398; Sepp R et al. Diagnostics (Basel), 2022 May;12:[ePub ahead of print]). This amino acid position is highly conserved in available vertebrate species. In addition, this alteration is predicted to be deleterious by in silico analysis. This variant is considered to be rare based on population cohorts in the Genome Aggregation Database (gnomAD). Based on the majority of available evidence to date, this variant is likely to be pathogenic.

Literature cited by the submitters: PubMed 27532257 (cited by Labcorp Genetics (formerly Invitae), Labcorp).